The following is an entry in ClinVar:

NM_152419.3(HGSNAT):c.1850C>T (p.Ala617Val)

Gene: HGSNAT (heparan-alpha-glucosaminide N-acetyltransferase; plus strand). Cytogenetic location: 8p11.21.
Variant type: single nucleotide variant.
Coding change: c.1850C>T on transcript NM_152419.3 (MANE Select); coding-DNA position 1850, C replaced by T.
Protein change: p.Ala617Val; replaces alanine 617 with valine.
Molecular consequence: missense variant.
Genome position (GRCh38, 1-based): chr8:43,199,511, C>T. VCF-style: chr8-43199511-C-T. GRCh37 (hg19) VCF-style: chr8-43054654-C-T.
Other names: c.1937C>T, p.Ala646Val (NM_001363227.2); c.1658C>T, p.Ala553Val (NM_001363228.2); c.986C>T, p.Ala329Val (NM_001363229.2); short protein forms A646V, A617V, A329V, A553V.
Identifiers: ClinVar variation 862247 (VCV000862247.6), dbSNP rs776791119, ClinGen allele CA4737038.

ClinVar aggregate classification (germline): Uncertain significance. Review status: criteria provided, multiple submitters, no conflicts (2 of 4 stars). 3 submissions from 3 submitters: Uncertain significance (2). 1 of the submissions does not count toward it. Last evaluated 2024-08-05.

Conditions:
Retinitis pigmentosa 73 (RP73). Identifiers: Orphanet 791, MedGen C4225287, MONDO:0014687, OMIM 616544.
Mucopolysaccharidosis, MPS-III-C (MPS3C). Also called: SANFILIPPO SYNDROME C; mucopolysaccharidosis type 3C; Mucopolysaccharidosis type IIIC (Sanfilippo C); MPS IIIC (Sanfilippo Syndrome Type C); MUCOPOLYSACCHARIDOSIS, TYPE IIIC; MPS III C. Identifiers: Orphanet 581, Orphanet 79271, MedGen C0086649, MONDO:0009657, OMIM 252930.
Inborn genetic diseases. Identifiers: MedGen C0950123, MeSH D030342.

Allele frequency attached by ClinVar (database versions not stated): gnomAD exomes below 0.00001; TOPMed below 0.00001; gnomAD 0.00001; ExAC below 0.00001.
gnomAD v4.1: 5 of 1,608,674 alleles (0.00031%); highest among the groups gnomAD compares: African/African-American, 0.0013%; no homozygotes.

Submissions (3):

Ambry Genetics
Classification: Uncertain significance for Inborn genetic diseases. Last evaluated: 2024-08-05. Review status: criteria provided, single submitter. Criteria: Ambry Variant Classification Scheme 2023. Collection method: clinical testing. Allele origin: germline.

Labcorp Genetics (formerly Invitae), Labcorp
Classification: Uncertain significance for Retinitis pigmentosa 73; Mucopolysaccharidosis, MPS-III-C. Last evaluated: 2022-08-02. Review status: criteria provided, single submitter. Criteria: Invitae Variant Classification Sherloc (09022015). Collection method: clinical testing. Allele origin: germline.
Comment: This sequence change replaces alanine, which is neutral and non-polar, with valine, which is neutral and non-polar, at codon 617 of the HGSNAT protein (p.Ala617Val). This variant is present in population databases (rs776791119, gnomAD 0.0008%). This variant has not been reported in the literature in individuals affected with HGSNAT-related conditions. ClinVar contains an entry for this variant (Variation ID: 862247). Advanced modeling of protein sequence and biophysical properties (such as structural, functional, and spatial information, amino acid conservation, physicochemical variation, residue mobility, and thermodynamic stability) performed at Invitae indicates that this missense variant is not expected to disrupt HGSNAT protein function. In summary, the available evidence is currently insufficient to determine the role of this variant in disease. Therefore, it has been classified as a Variant of Uncertain Significance.

Natera, Inc.
Classification: Uncertain significance for Mucopolysaccharidosis type IIIC. Last evaluated: 2021-03-24. Review status: no assertion criteria provided. Collection method: clinical testing. Allele origin: germline. Not counted in ClinVar's aggregate classification.